The following is an entry in ClinVar:

ClinVar aggregate classification (germline): Likely pathogenic (1 of 4 stars; one submission).

Submission:

GeneDx
Classification: Likely pathogenic. Last evaluated: 2025-09-26. Review status: criteria provided, single submitter. Criteria: GeneDx Variant Classification Process June 2021. Collection method: clinical testing. Allele origin: germline. Affected: yes.
Comment: Not observed at significant frequency in large population cohorts (gnomAD); In silico analysis supports a deleterious effect on splicing; Has not been previously published as pathogenic or benign to our knowledge

NM_138694.4(PKHD1):c.6491-5T>A

Gene: PKHD1 (PKHD1 ciliary IPT domain containing fibrocystin/polyductin; minus strand). Cytogenetic location: 6p12.2.
Variant type: single nucleotide variant.
Coding change: c.6491-5T>A on transcript NM_138694.4 (MANE Select); 5 bases into the intron before coding-DNA position 6491, T replaced by A.
Molecular consequence: intron variant.
Genome position (GRCh38, 1-based): chr6:51,909,479, A>T on the plus strand (T>A on the coding strand, the complement: PKHD1 is on the minus strand). VCF-style: chr6-51909479-A-T. GRCh37 (hg19) VCF-style: chr6-51774277-A-T.
Other names: c.6491-5T>A (NM_170724.3).
Identifiers: ClinVar variation 4818912 (VCV004818912.1).